The following is an entry in ClinVar:

NM_001376.5(DYNC1H1):c.12883C>T (p.Gln4295Ter)

Gene: DYNC1H1 (dynein cytoplasmic 1 heavy chain 1; plus strand). Cytogenetic location: 14q32.31.
Variant type: single nucleotide variant.
Coding change: c.12883C>T on transcript NM_001376.5 (MANE Select); coding-DNA position 12883, C replaced by T.
Protein change: p.Gln4295Ter; replaces glutamine 4295 with a stop codon.
Molecular consequence: nonsense.
Genome position (GRCh38, 1-based): chr14:102,044,472, C>T. VCF-style: chr14-102044472-C-T. GRCh37 (hg19) VCF-style: chr14-102510809-C-T.
Other names: short protein forms Q4295*.
Identifiers: ClinVar variation 3724052 (VCV003724052.2).
Genomic context (GRCh38, chr14:102,044,472, plus strand): 5'-ACCAGGAGTTTCGACAGTGAGTTTAAGCTGGCATGCAAGGTCGACGGACATAAAGACATT[C>T]AAATGCCAGATGGCATCAGGTATGCTGCTGCCTGCTGGAATGGAGACAGTTGTGATGTCA-3'

ClinVar aggregate classification (germline): Uncertain significance (1 of 4 stars; one submission).

Conditions:
Charcot-Marie-Tooth disease axonal type 2O. Also called: Charcot-Marie-Tooth disease, axonal, type 20; CHARCOT-MARIE-TOOTH NEUROPATHY, AXONAL, TYPE 2O; CHARCOT-MARIE-TOOTH DISEASE, AXONAL, AUTOSOMAL DOMINANT, TYPE 2O; Charcot-Marie-Tooth Neuropathy Type 2O. Identifiers: Orphanet 284232, MedGen C3280220, MONDO:0013644, OMIM 614228.

Submission:

Labcorp Genetics (formerly Invitae), Labcorp
Classification: Uncertain significance for Charcot-Marie-Tooth disease axonal type 2O. Last evaluated: 2024-10-29. Review status: criteria provided, single submitter. Criteria: Invitae Variant Classification Sherloc (09022015). Collection method: clinical testing. Allele origin: germline.
Comment: This sequence change creates a premature translational stop signal (p.Gln4295*) in the DYNC1H1 gene. It is expected to result in an absent or disrupted protein product. However, the current clinical and genetic evidence is not sufficient to establish whether loss-of-function variants in DYNC1H1 cause disease. This variant is not present in population databases (gnomAD no frequency). This variant has not been reported in the literature in individuals affected with DYNC1H1-related conditions. Algorithms developed to predict the effect of sequence changes on RNA splicing suggest that this variant may create or strengthen a splice site. In summary, the available evidence is currently insufficient to determine the role of this variant in disease. Therefore, it has been classified as a Variant of Uncertain Significance.